The following is an entry in ClinVar:

ClinVar aggregate classification (germline): Uncertain significance (1 of 4 stars; one submission).

Conditions:
Inborn genetic diseases. Identifiers: MedGen C0950123, MeSH D030342.

Submission:

Ambry Genetics
Classification: Uncertain significance for Inborn genetic diseases. Last evaluated: 2025-08-12. Review status: criteria provided, single submitter. Criteria: Ambry Variant Classification Scheme 2023. Collection method: clinical testing. Allele origin: germline.
Comment: The p.K354R variant (also known as c.1061A>G), located in coding exon 1 of the SAMD9 gene, results from an A to G substitution at nucleotide position 1061. The lysine at codon 354 is replaced by arginine, an amino acid with highly similar properties. This amino acid position is conserved. In addition, this alteration is predicted to be tolerated by in silico analysis. Based on the available evidence, the clinical significance of this variant remains unclear.

NM_017654.4(SAMD9):c.1061A>G (p.Lys354Arg)

Gene: SAMD9 (sterile alpha motif domain containing 9; minus strand). Cytogenetic location: 7q21.2.
Variant type: single nucleotide variant.
Coding change: c.1061A>G on transcript NM_017654.4 (MANE Select); coding-DNA position 1061, A replaced by G.
Protein change: p.Lys354Arg; replaces lysine 354 with arginine.
Molecular consequence: missense variant.
Genome position (GRCh38, 1-based): chr7:93,105,037, T>C on the plus strand (A>G on the coding strand, the complement: SAMD9 is on the minus strand). VCF-style: chr7-93105037-T-C. GRCh37 (hg19) VCF-style: chr7-92734350-T-C.
Other names: c.1061A>G, p.Lys354Arg (NM_001193307.2); short protein forms K354R.
Identifiers: ClinVar variation 4159148 (VCV004159148.1).